The following is an entry in ClinVar:

ClinVar aggregate classification (germline): Conflicting classifications of pathogenicity. Review status: criteria provided, conflicting classifications (1 of 4 stars). 2 submissions from 2 submitters: Uncertain significance (1); Likely benign (1). Last evaluated 2025-11-03.

Conditions:
Hereditary cancer-predisposing syndrome. Also called: Tumor predisposition; Neoplastic Syndromes, Hereditary; Hereditary Cancer Syndrome; Hereditary neoplastic syndrome. Identifiers: Orphanet 140162, MedGen C0027672, MeSH D009386, MONDO:0015356.
POLD1-related polyposis and colorectal cancer syndrome (CRCS10). Also called: Colorectal cancer 10; COLORECTAL CANCER, SUSCEPTIBILITY TO, ON CHROMOSOME 19q; Colorectal cancer, susceptibility to, 10. Identifiers: Orphanet 220460, MedGen C2675481, MONDO:0012953, OMIM 612591.

Allele frequency attached by ClinVar (database versions not stated): ExAC 0.00001; gnomAD exomes 0.00001.
gnomAD v4.1: 4 of 1,610,552 alleles (0.00025%); highest among the groups gnomAD compares: Non-Finnish European, 0.00025%; no homozygotes.

Submissions (2):

Labcorp Genetics (formerly Invitae), Labcorp
Classification: Uncertain significance for POLD1-related polyposis and colorectal cancer syndrome. Last evaluated: 2025-11-03. Review status: criteria provided, single submitter. Criteria: Invitae Variant Classification Sherloc (09022015). Collection method: clinical testing. Allele origin: germline.
Comment: This sequence change replaces lysine, which is basic and polar, with isoleucine, which is neutral and non-polar, at codon 629 of the POLD1 protein (p.Lys629Ile). This variant is present in population databases (rs772953240, gnomAD 0.0009%). This variant has not been reported in the literature in individuals affected with POLD1-related conditions. ClinVar contains an entry for this variant (Variation ID: 537063). Invitae Evidence Modeling of protein sequence and biophysical properties (such as structural, functional, and spatial information, amino acid conservation, physicochemical variation, residue mobility, and thermodynamic stability) indicates that this missense variant is not expected to disrupt POLD1 protein function with a negative predictive value of 80%. In summary, the available evidence is currently insufficient to determine the role of this variant in disease. Therefore, it has been classified as a Variant of Uncertain Significance.

Ambry Genetics
Classification: Likely benign for Hereditary cancer-predisposing syndrome. Last evaluated: 2025-06-26. Review status: criteria provided, single submitter. Criteria: Ambry Variant Classification Scheme 2023. Collection method: clinical testing. Allele origin: germline.

NM_002691.4(POLD1):c.1886A>T (p.Lys629Ile)

Gene: POLD1 (DNA polymerase delta 1, catalytic subunit; plus strand). Cytogenetic location: 19q13.33.
Variant type: single nucleotide variant.
Coding change: c.1886A>T on transcript NM_002691.4 (MANE Select); coding-DNA position 1886, A replaced by T.
Protein change: p.Lys629Ile; replaces lysine 629 with isoleucine.
Molecular consequence: missense variant. On other transcripts: non-coding transcript variant (1).
Genome position (GRCh38, 1-based): chr19:50,408,895, A>T. VCF-style: chr19-50408895-A-T. GRCh37 (hg19) VCF-style: chr19-50912152-A-T.
Other names: c.1886A>T, p.Lys629Ile (NM_001256849.1); c.1964A>T, p.Lys655Ile (NM_001308632.1); short protein forms K655I, K629I.
Identifiers: ClinVar variation 537063 (VCV000537063.12), dbSNP rs772953240, ClinGen allele CA9596300.
Genomic context (GRCh38, chr19:50,408,895, plus strand): 5'-CCATCATGATGGCCCACAACCTGTGTTACACCACGCTCCTTCGGCCCGGGACTGCACAGA[A>T]ACTGGGGTATAGTGCCCAATTCAGCATGTGTCCCCCGAGGCCCATCTGGGCCTTCCCTTG-3'
Protein context (NP_002682.2, residues 619-639): TTLLRPGTAQ[Lys629Ile]LGLTEDQFIR